The following is an entry in ClinVar:

NM_003072.5(SMARCA4):c.3546+10G>A

Gene: SMARCA4 (SWI/SNF related BAF chromatin remodeling complex subunit ATPase 4; plus strand). Cytogenetic location: 19p13.2.
Variant type: single nucleotide variant.
Coding change: c.3546+10G>A on transcript NM_003072.5 (MANE Select); 10 bases into the intron after coding-DNA position 3546, G replaced by A.
Molecular consequence: intron variant.
Genome position (GRCh38, 1-based): chr19:11,030,903, G>A. VCF-style: chr19-11030903-G-A. GRCh37 (hg19) VCF-style: chr19-11141579-G-A.
Other names: c.3546+10G>A (NM_001128844.3, NM_001128849.3, NM_001128847.4 and 4 more transcripts).
Identifiers: ClinVar variation 763748 (VCV000763748.11), dbSNP rs1359265574, ClinGen allele CA631762971.
Genomic context (GRCh38, chr19:11,030,903, plus strand): 5'-CAGTCGGCAGACACTGTGATCATTTTTGACAGCGACTGGAATCCTCACCAGGTAAAAGCG[G>A]GCCGGGCCCCAGGTCGAGGAGAAGGAAGGGGGTGCCTGCAAAACCTCGAGGAGACGGCCC-3'

ClinVar aggregate classification (germline): Likely benign. Review status: criteria provided, multiple submitters, no conflicts (2 of 4 stars). 2 submissions from 2 submitters: Likely benign (2). Last evaluated 2026-07-07.

Conditions:
Rhabdoid tumor predisposition syndrome 2 (RTPS2). Identifiers: Orphanet 231108, Orphanet 69077, MedGen C2750074, MONDO:0013224, OMIM 613325.

Allele frequency attached by ClinVar (database versions not stated): gnomAD exomes below 0.00001.
gnomAD v4.1: 2 of 1,608,700 alleles (0.00012%); highest among the groups gnomAD compares: East Asian, 0.0022%; no homozygotes.

Submissions (2):

Myriad Genetics, Inc.
Classification: Likely benign for Rhabdoid tumor predisposition syndrome 2. Last evaluated: 2026-07-07. Review status: criteria provided, single submitter. Criteria: Myriad Autosomal Dominant, Autosomal Recessive and X-Linked Classification Criteria (2023). Collection method: clinical testing. Allele origin: unknown.
Comment: This variant is considered likely benign. This variant is intronic and is not expected to impact mRNA splicing.

Labcorp Genetics (formerly Invitae), Labcorp
Classification: Likely benign for Rhabdoid tumor predisposition syndrome 2. Last evaluated: 2025-09-08. Review status: criteria provided, single submitter. Criteria: Invitae Variant Classification Sherloc (09022015). Collection method: clinical testing. Allele origin: germline.